The following is an entry in ClinVar:

ClinVar aggregate classification (germline): Uncertain significance. Review status: criteria provided, multiple submitters, no conflicts (2 of 4 stars). 2 submissions from 2 submitters: Uncertain significance (2). Last evaluated 2025-11-05.

Conditions:
Epilepsy, X-linked 1, with variable learning disabilities and behavior disorders. Also called: X-linked epilepsy-learning disabilities-behavior disorders syndrome. Identifiers: Orphanet 85294, MedGen C5774177, MONDO:0010339, OMIM 300491.

Submissions (2):

GeneDx
Classification: Uncertain significance. Last evaluated: 2025-11-05. Review status: criteria provided, single submitter. Criteria: GeneDx Variant Classification Process June 2021. Collection method: clinical testing. Allele origin: germline.
Comment: Not observed at significant frequency in large population cohorts (gnomAD); In silico analysis suggests that this missense variant does not alter protein structure/function; Has not been previously published as pathogenic or benign to our knowledge

Labcorp Genetics (formerly Invitae), Labcorp
Classification: Uncertain significance for Epilepsy, X-linked 1, with variable learning disabilities and behavior disorders. Last evaluated: 2023-07-07. Review status: criteria provided, single submitter. Criteria: Invitae Variant Classification Sherloc (09022015). Collection method: clinical testing. Allele origin: germline.
Comment: This sequence change replaces valine, which is neutral and non-polar, with isoleucine, which is neutral and non-polar, at codon 84 of the SYN1 protein (p.Val84Ile). This variant is not present in population databases (gnomAD no frequency). This variant has not been reported in the literature in individuals affected with SYN1-related conditions. An algorithm developed to predict the effect of missense changes on protein structure and function (PolyPhen-2) suggests that this variant is likely to be disruptive. In summary, the available evidence is currently insufficient to determine the role of this variant in disease. Therefore, it has been classified as a Variant of Uncertain Significance.

NM_006950.3(SYN1):c.250G>A (p.Val84Ile)

Gene: SYN1 (synapsin I; minus strand). Cytogenetic location: Xp11.23.
Variant type: single nucleotide variant.
Coding change: c.250G>A on transcript NM_006950.3 (MANE Select); coding-DNA position 250, G replaced by A.
Protein change: p.Val84Ile; replaces valine 84 with isoleucine.
Molecular consequence: missense variant.
Genome position (GRCh38, 1-based): chrX:47,619,479, C>T on the plus strand (G>A on the coding strand, the complement: SYN1 is on the minus strand). VCF-style: chrX-47619479-C-T. GRCh37 (hg19) VCF-style: chrX-47478878-C-T.
Other names: c.250G>A, p.Val84Ile (NM_133499.2); short protein forms V84I.
Identifiers: ClinVar variation 2662098 (VCV002662098.5), dbSNP rs2519712282, ClinGen allele CA412831820.
Genomic context (GRCh38, chrX:47,619,479, plus strand): 5'-CAGAGCCGCCGCCCACCTGCTCGCTGAAGGTGGCAGCTGCCGCCGCCGTGGTCTGCTTGA[C>T]CGCGTTGGACAGCGACGAGAAGAAGCCACCGCCCCCCGAGGACCCGGGGCTAGGGGCGGC-3'
Protein context (NP_008881.2, residues 74-94): GGFFSSLSNA[Val84Ile]KQTTAAAAAT